The following is an entry in ClinVar:

ClinVar aggregate classification (germline): Likely benign. Review status: criteria provided, multiple submitters, no conflicts (2 of 4 stars). 2 submissions from 2 submitters: Likely benign (2). Last evaluated 2025-10-01.

Conditions:
PKD1-related disorder. Also called: PKD1-related condition.

Submissions (2):

Women's Health and Genetics/Laboratory Corporation of America, LabCorp
Classification: Likely benign. Last evaluated: 2025-10-01. Review status: criteria provided, single submitter. Criteria: LabCorp Variant Classification Summary - May 2015. Collection method: clinical testing. Allele origin: germline.

PreventionGenetics, part of Exact Sciences
Classification: Likely benign for PKD1-related condition. Last evaluated: 2025-09-18. Review status: criteria provided, single submitter. Criteria: ACMG Guidelines, 2015. Collection method: clinical testing. Allele origin: germline.
Comment: This variant is classified as likely benign based on ACMG/AMP sequence variant interpretation guidelines (Richards et al. 2015 PMID: 25741868, with internal and published modifications).

NM_001009944.3(PKD1):c.7863+7G>T

Gene: PKD1 (polycystin 1, transient receptor potential channel interacting; minus strand). Cytogenetic location: 16p13.3.
Variant type: single nucleotide variant.
Coding change: c.7863+7G>T on transcript NM_001009944.3 (MANE Select); 7 bases into the intron after coding-DNA position 7863, G replaced by T.
Molecular consequence: intron variant.
Genome position (GRCh38, 1-based): chr16:2,105,858, C>A on the plus strand (G>T on the coding strand, the complement: PKD1 is on the minus strand). VCF-style: chr16-2105858-C-A. GRCh37 (hg19) VCF-style: chr16-2155859-C-A.
Other names: c.7863+7G>T (NM_001009944.2, NM_000296.4).
Identifiers: ClinVar variation 4687626 (VCV004687626.2).
Genomic context (GRCh38, chr16:2,105,858, plus strand): 5'-GGGGTACAGGTCTTGGTCCCAAGCACGCATGCAGCAGATGTGACGTCCCCTCCCAGGCTG[C>A]ACTCACCTCGTTCAGCACGGTGACCAGGGCCAACGAGTACTCGATGACGTGCTGGGGATC-3'